The following is an entry in ClinVar:

NM_000051.4(ATM):c.6704T>C (p.Met2235Thr)

Genes: ATM (ATM serine/threonine kinase; plus strand), C11orf65 (chromosome 11 open reading frame 65; minus strand). Cytogenetic location: 11q22.3.
Variant type: single nucleotide variant.
Coding change: c.6704T>C on transcript NM_000051.4 (MANE Select); coding-DNA position 6704, T replaced by C.
Protein change: p.Met2235Thr; replaces methionine 2235 with threonine.
Molecular consequence: missense variant. On other transcripts: intron variant (2).
Genome position (GRCh38, 1-based): chr11:108,325,441, T>C. VCF-style: chr11-108325441-T-C. GRCh37 (hg19) VCF-style: chr11-108196168-T-C.
Other names: c.6704T>C, p.Met2235Thr (NM_001351834.2); c.641-16370A>G (NM_001330368.2); c.*38+9779A>G (NM_001351110.2); short protein forms M2235T.
Identifiers: ClinVar variation 2733670 (VCV002733670.4), dbSNP rs2547203991, ClinGen allele CA382554956.

ClinVar aggregate classification (germline): Uncertain significance. Review status: criteria provided, multiple submitters, no conflicts (2 of 4 stars). 2 submissions from 2 submitters: Uncertain significance (2). Last evaluated 2023-11-16.

Conditions:
Ataxia-telangiectasia syndrome (AT). Also called: LOUIS-BAR SYNDROME; Cerebello-oculocutaneous telangiectasia; Immunodeficiency with ataxia telangiectasia; Ataxia telangiectasia (A-T); Ataxia-telangiectasia, complementation group D; AT, COMPLEMENTATION GROUP C. Identifiers: Orphanet 100, MedGen C0004135, MONDO:0008840, OMIM 208900.
Familial cancer of breast. Also called: BREAST CANCER, FAMILIAL; Hereditary breast cancer; hereditary breast carcinoma. Identifiers: Orphanet 227535, MedGen C0346153, MONDO:0016419, OMIM 114480. Disease mechanism: loss of function.

Submissions (2):

Baylor Genetics
Classification: Uncertain significance for Familial cancer of breast. Last evaluated: 2023-11-16. Review status: criteria provided, single submitter. Criteria: ACMG Guidelines, 2015. Collection method: clinical testing. Allele origin: unknown.

Labcorp Genetics (formerly Invitae), Labcorp
Classification: Uncertain significance for Ataxia-telangiectasia syndrome. Last evaluated: 2023-02-15. Review status: criteria provided, single submitter. Criteria: Invitae Variant Classification Sherloc (09022015). Collection method: clinical testing. Allele origin: germline.
Comment: This sequence change replaces methionine, which is neutral and non-polar, with threonine, which is neutral and polar, at codon 2235 of the ATM protein (p.Met2235Thr). This variant is not present in population databases (gnomAD no frequency). This variant has not been reported in the literature in individuals affected with ATM-related conditions. An algorithm developed to predict the effect of missense changes on protein structure and function (PolyPhen-2) suggests that this variant is likely to be tolerated. In summary, the available evidence is currently insufficient to determine the role of this variant in disease. Therefore, it has been classified as a Variant of Uncertain Significance.